The following is an entry in ClinVar:

ClinVar aggregate classification (germline): Likely benign (1 of 4 stars; one submission).

gnomAD v4.1: 110 of 1,614,180 alleles (0.0068%); highest among the groups gnomAD compares: Admixed American, 0.13%; 2 homozygotes.

Submission:

CeGaT Center for Human Genetics Tuebingen
Classification: Likely benign. Last evaluated: 2025-10-01. Review status: criteria provided, single submitter. Criteria: CeGaT Center For Human Genetics Tuebingen Variant Classification Criteria Version 2. Collection method: clinical testing. Allele origin: germline. Affected: yes. Observed: 1 variant allele.
Comment: DHX30: BP4, BP7

NM_138615.3(DHX30):c.2646G>C (p.Arg882=)

Gene: DHX30 (DExH-box helicase 30; plus strand). Cytogenetic location: 3p21.31.
Variant type: single nucleotide variant.
Coding change: c.2646G>C on transcript NM_138615.3 (MANE Select); coding-DNA position 2646, G replaced by C.
Protein change: p.Arg882=; no amino-acid change (arginine 882 retained).
Molecular consequence: synonymous variant.
Genome position (GRCh38, 1-based): chr3:47,848,694, G>C. VCF-style: chr3-47848694-G-C. GRCh37 (hg19) VCF-style: chr3-47890184-G-C.
Other names: c.2562G>C, p.Arg854= (NM_001330990.2); c.2529G>C, p.Arg843= (NM_014966.4).
Identifiers: ClinVar variation 4534109 (VCV004534109.6).
Genomic context (GRCh38, chr3:47,848,694, plus strand): 5'-CCAGCGGGAGTACCTGACTACCCTGGGGCAGCGCCTGGCTCACATCTCCACCGACCCCCG[G>C]TTGGCCAAGGCCATTGTGTTGGCTGCCATCTTCCGTTGCCTGCACCCACTACTGGTGGTC-3'
Protein context (NP_619520.1, residues 872-892): QRLAHISTDP[Arg882=]LAKAIVLAAI